The following is an entry in ClinVar:

NM_015459.5(ATL3):c.1480G>C (p.Gly494Arg)

Genes: ATL3 (atlastin GTPase 3; minus strand), LNCROPM (lncRNA regulator of PLAAT3 mediated phospholipid metabolism; plus strand). Cytogenetic location: 11q13.1.
Variant type: single nucleotide variant.
Coding change: c.1480G>C on transcript NM_015459.5 (MANE Select); coding-DNA position 1480, G replaced by C.
Protein change: p.Gly494Arg; replaces glycine 494 with arginine.
Molecular consequence: missense variant.
Genome position (GRCh38, 1-based): chr11:63,631,099, C>G on the plus strand (G>C on the coding strand, the complement: ATL3 is on the minus strand). VCF-style: chr11-63631099-C-G. GRCh37 (hg19) VCF-style: chr11-63398571-C-G.
Other names: c.1426G>C, p.Gly476Arg (NM_001290048.2); c.1429G>C, p.Gly477Arg (NM_001440716.1); c.1423G>C, p.Gly475Arg (NM_001440717.1); c.1408G>C, p.Gly470Arg (NM_001440718.1); c.1375G>C, p.Gly459Arg (NM_001440719.1); c.1369G>C, p.Gly457Arg (NM_001440720.1); c.1324G>C, p.Gly442Arg (NM_001440721.1); c.1267G>C, p.Gly423Arg (NM_001440722.1); short protein forms G423R, G442R, G470R, G476R, G477R, G475R, G494R, G457R.
Identifiers: ClinVar variation 4777810 (VCV004777810.1).

ClinVar aggregate classification (germline): Uncertain significance (1 of 4 stars; one submission).

Conditions:
Neuropathy, hereditary sensory, type 1F. Also called: HSN IF; Hereditary sensory neuropathy type IF. Identifiers: Orphanet 36386, MedGen C3810194, MONDO:0014286, OMIM 615632.

Submission:

Labcorp Genetics (formerly Invitae), Labcorp
Classification: Uncertain significance for Neuropathy, hereditary sensory, type 1F. Last evaluated: 2025-07-01. Review status: criteria provided, single submitter. Criteria: Invitae Variant Classification Sherloc (09022015). Collection method: clinical testing. Allele origin: germline.
Comment: This sequence change replaces glycine, which is neutral and non-polar, with arginine, which is basic and polar, at codon 494 of the ATL3 protein (p.Gly494Arg). This variant is not present in population databases (gnomAD no frequency). This variant has not been reported in the literature in individuals affected with ATL3-related conditions. Invitae Evidence Modeling of protein sequence and biophysical properties (such as structural, functional, and spatial information, amino acid conservation, physicochemical variation, residue mobility, and thermodynamic stability) has been performed for this missense variant. However, the output from this modeling did not meet the statistical confidence thresholds required to predict the impact of this variant on ATL3 protein function. In summary, the available evidence is currently insufficient to determine the role of this variant in disease. Therefore, it has been classified as a Variant of Uncertain Significance.